The following is an entry in ClinVar:

NM_015488.5(PNKD):c.568G>A (p.Asp190Asn)

Genes: CATIP-AS2 (CATIP antisense RNA 2; minus strand), PNKD (PNKD metallo-beta-lactamase domain containing; plus strand). Cytogenetic location: 2q35.
Variant type: single nucleotide variant.
Coding change: c.568G>A on transcript NM_015488.5 (MANE Select); coding-DNA position 568, G replaced by A.
Protein change: p.Asp190Asn; replaces aspartic acid 190 with asparagine.
Molecular consequence: missense variant.
Genome position (GRCh38, 1-based): chr2:218,341,577, G>A. VCF-style: chr2-218341577-G-A. GRCh37 (hg19) VCF-style: chr2-219206300-G-A.
Other names: c.496G>A, p.Asp166Asn (NM_022572.5); short protein forms D166N, D190N.
Identifiers: ClinVar variation 1058555 (VCV001058555.10), dbSNP rs1256960832, ClinGen allele CA350540486.
Genomic context (GRCh38, chr2:218,341,577, plus strand): 5'-TCTCTGCTGTCCTGCAGGGACCACAGTGGAGGGAACCGTGACCTCAGCCGGCGGCACCGG[G>A]ACTGTCGGGTGTACGGGAGCCCTCAGGACGGCATCCCCTACCTCACCCAGTAAGTCCCTG-3'
Protein context (NP_056303.3, residues 180-200): GNRDLSRRHR[Asp190Asn]CRVYGSPQDG

ClinVar aggregate classification (germline): Uncertain significance. Review status: criteria provided, multiple submitters, no conflicts (2 of 4 stars). 2 submissions from 2 submitters: Uncertain significance (2). Last evaluated 2025-05-02.

Conditions:
Paroxysmal nonkinesigenic dyskinesia. Also called: Paroxysmal non-kinesigenic dyskinesia. Identifiers: Orphanet 98810, MedGen C1869117, MONDO:0700088.
Inborn genetic diseases. Identifiers: MedGen C0950123, MeSH D030342.

Allele frequency attached by ClinVar (database versions not stated): TOPMed 0.00002.

Submissions (2):

Labcorp Genetics (formerly Invitae), Labcorp
Classification: Uncertain significance for Paroxysmal nonkinesigenic dyskinesia. Last evaluated: 2025-05-02. Review status: criteria provided, single submitter. Criteria: Invitae Variant Classification Sherloc (09022015). Collection method: clinical testing. Allele origin: germline.
Comment: This sequence change replaces aspartic acid, which is acidic and polar, with asparagine, which is neutral and polar, at codon 190 of the PNKD protein (p.Asp190Asn). This variant is not present in population databases (gnomAD no frequency). This variant has not been reported in the literature in individuals affected with PNKD-related conditions. ClinVar contains an entry for this variant (Variation ID: 1058555). Invitae Evidence Modeling of protein sequence and biophysical properties (such as structural, functional, and spatial information, amino acid conservation, physicochemical variation, residue mobility, and thermodynamic stability) indicates that this missense variant is not expected to disrupt PNKD protein function with a negative predictive value of 80%. In summary, the available evidence is currently insufficient to determine the role of this variant in disease. Therefore, it has been classified as a Variant of Uncertain Significance.

Ambry Genetics
Classification: Uncertain significance for Inborn genetic diseases. Last evaluated: 2022-04-13. Review status: criteria provided, single submitter. Criteria: Ambry Variant Classification Scheme 2023. Collection method: clinical testing. Allele origin: germline.